The following is an entry in ClinVar:

ClinVar aggregate classification (germline): Uncertain significance. Review status: criteria provided, multiple submitters, no conflicts (2 of 4 stars). 3 submissions from 3 submitters: Uncertain significance (3). Last evaluated 2025-10-28.

Conditions:
Hereditary cancer-predisposing syndrome. Also called: Tumor predisposition; Hereditary Cancer Syndrome; Neoplastic Syndromes, Hereditary; Hereditary neoplastic syndrome. Identifiers: Orphanet 140162, MedGen C0027672, MeSH D009386, MONDO:0015356.
Familial cancer of breast. Also called: BREAST CANCER, FAMILIAL; Hereditary breast cancer; hereditary breast carcinoma. Identifiers: Orphanet 227535, MedGen C0346153, MONDO:0016419, OMIM 114480. Disease mechanism: loss of function.

Allele frequency attached by ClinVar (database versions not stated): gnomAD exomes below 0.00001; ExAC 0.00001.
gnomAD v4.1: 1 of 1,614,040 alleles (0.000062%); highest among the groups gnomAD compares: South Asian, 0.0011%; no homozygotes.

Submissions (3):

Color Diagnostics, LLC DBA Color Health
Classification: Uncertain significance for Hereditary cancer-predisposing syndrome. Last evaluated: 2025-10-28. Review status: criteria provided, single submitter. Criteria: ACMG Guidelines, 2015. Collection method: clinical testing. Allele origin: germline.
Comment: This missense variant replaces glycine with aspartic acid at codon 364 of the PALB2 protein. To our knowledge, functional studies have not been reported for this variant. This variant has been detected in a breast cancer case-control meta-analysis in 2/53461 unaffected individuals and absent in 60466 cases (PMID: 33471991LOVD DB-ID PALB2_011085). This variant has been identified in 1/1461784 chromosomes in the general population by the Genome Aggregation Database (gnomAD). The available evidence is insufficient to determine the role of this variant in disease conclusively. Therefore, this variant is classified as a Variant of Uncertain Significance.

Ambry Genetics
Classification: Uncertain significance for Hereditary cancer-predisposing syndrome. Last evaluated: 2023-02-09. Review status: criteria provided, single submitter. Criteria: Ambry Variant Classification Scheme 2023. Collection method: clinical testing. Allele origin: germline.
Comment: The p.G364D variant (also known as c.1091G>A), located in coding exon 4 of the PALB2 gene, results from a G to A substitution at nucleotide position 1091. The glycine at codon 364 is replaced by aspartic acid, an amino acid with similar properties. This amino acid position is not well conserved in available vertebrate species. In addition, this alteration is predicted to be tolerated by in silico analysis. Since supporting evidence is limited at this time, the clinical significance of this alteration remains unclear.

Labcorp Genetics (formerly Invitae), Labcorp
Classification: Uncertain significance for Familial cancer of breast. Last evaluated: 2022-02-23. Review status: criteria provided, single submitter. Criteria: Invitae Variant Classification Sherloc (09022015). Collection method: clinical testing. Allele origin: germline.
Comment: This sequence change replaces glycine, which is neutral and non-polar, with aspartic acid, which is acidic and polar, at codon 364 of the PALB2 protein (p.Gly364Asp). This variant is present in population databases (rs758500775, gnomAD 0.003%). This variant has not been reported in the literature in individuals affected with PALB2-related conditions. ClinVar contains an entry for this variant (Variation ID: 822144). Algorithms developed to predict the effect of missense changes on protein structure and function output the following: SIFT: "Tolerated"; PolyPhen-2: "Benign"; Align-GVGD: "Class C0". The aspartic acid amino acid residue is found in multiple mammalian species, which suggests that this missense change does not adversely affect protein function. In summary, the available evidence is currently insufficient to determine the role of this variant in disease. Therefore, it has been classified as a Variant of Uncertain Significance.

Literature cited by the submitters: PubMed 33471991 (cited by Color Diagnostics, LLC DBA Color Health).

NM_024675.4(PALB2):c.1091G>A (p.Gly364Asp)

Gene: PALB2 (partner and localizer of BRCA2; minus strand). Cytogenetic location: 16p12.2.
Variant type: single nucleotide variant.
Coding change: c.1091G>A on transcript NM_024675.4 (MANE Select); coding-DNA position 1091, G replaced by A.
Protein change: p.Gly364Asp; replaces glycine 364 with aspartic acid.
Molecular consequence: missense variant.
Genome position (GRCh38, 1-based): chr16:23,635,455, C>T on the plus strand (G>A on the coding strand, the complement: PALB2 is on the minus strand). VCF-style: chr16-23635455-C-T. GRCh37 (hg19) VCF-style: chr16-23646776-C-T.
Other names: short protein forms G364D.
Identifiers: ClinVar variation 822144 (VCV000822144.7), dbSNP rs758500775, ClinGen allele CA7963733.